The following is an entry in ClinVar:

NM_006739.4(MCM5):c.394G>A (p.Ala132Thr)

Gene: MCM5 (minichromosome maintenance complex component 5; plus strand). Cytogenetic location: 22q12.3.
Variant type: single nucleotide variant.
Coding change: c.394G>A on transcript NM_006739.4 (MANE Select); coding-DNA position 394, G replaced by A.
Protein change: p.Ala132Thr; replaces alanine 132 with threonine.
Molecular consequence: missense variant.
Genome position (GRCh38, 1-based): chr22:35,403,513, G>A. VCF-style: chr22-35403513-G-A. GRCh37 (hg19) VCF-style: chr22-35799506-G-A.
Other names: short protein forms A132T.
Identifiers: ClinVar variation 1348721 (VCV001348721.8), dbSNP rs771693792, ClinGen allele CA10205012.
Genomic context (GRCh38, chr22:35,403,513, plus strand): 5'-CGGCCCCGGCCTTCTGGGGAGGAGGTGCTCCAGGACATCCAGGTCATGCTCAAGTCGGAC[G>A]CCAGCCCTTCCAGCATTCGTAGCCTGAAGGTGGGTCGGAGGGCAGTGGCTGCTGCATGGT-3'
Protein context (NP_006730.2, residues 122-142): QDIQVMLKSD[Ala132Thr]SPSSIRSLKS

ClinVar aggregate classification (germline): Uncertain significance (1 of 4 stars; one submission).

Allele frequency attached by ClinVar (database versions not stated): gnomAD 0.00001; TOPMed 0.00005; ExAC 0.00023.
gnomAD v4.1: 58 of 1,613,906 alleles (0.0036%); highest among the groups gnomAD compares: Admixed American, 0.067%; no homozygotes.

Submission:

Labcorp Genetics (formerly Invitae), Labcorp
Classification: Uncertain significance. Last evaluated: 2025-10-24. Review status: criteria provided, single submitter. Criteria: Invitae Variant Classification Sherloc (09022015). Collection method: clinical testing. Allele origin: germline.
Comment: This sequence change replaces alanine, which is neutral and non-polar, with threonine, which is neutral and polar, at codon 132 of the MCM5 protein (p.Ala132Thr). This variant is present in population databases (rs771693792, gnomAD 0.1%), and has an allele count higher than expected for a pathogenic variant. This variant has not been reported in the literature in individuals affected with MCM5-related conditions. ClinVar contains an entry for this variant (Variation ID: 1348721). Invitae Evidence Modeling of protein sequence and biophysical properties (such as structural, functional, and spatial information, amino acid conservation, physicochemical variation, residue mobility, and thermodynamic stability) indicates that this missense variant is not expected to disrupt MCM5 protein function with a negative predictive value of 80%. In summary, the available evidence is currently insufficient to determine the role of this variant in disease. Therefore, it has been classified as a Variant of Uncertain Significance.